The following is an entry in ClinVar:

ClinVar aggregate classification (germline): Uncertain significance (1 of 4 stars; one submission).

Submission:

Labcorp Genetics (formerly Invitae), Labcorp
Classification: Uncertain significance. Last evaluated: 2022-10-05. Review status: criteria provided, single submitter. Criteria: Invitae Variant Classification Sherloc (09022015). Collection method: clinical testing. Allele origin: germline.
Comment: This variant is not present in population databases (gnomAD no frequency). This missense change has been observed in individual(s) with retinitis pigmentosa (Invitae). Advanced modeling of protein sequence and biophysical properties (such as structural, functional, and spatial information, amino acid conservation, physicochemical variation, residue mobility, and thermodynamic stability) performed at Invitae indicates that this missense variant is expected to disrupt PDE6A protein function. In summary, the available evidence is currently insufficient to determine the role of this variant in disease. Therefore, it has been classified as a Variant of Uncertain Significance. This sequence change replaces aspartic acid, which is acidic and polar, with tyrosine, which is neutral and polar, at codon 413 of the PDE6A protein (p.Asp413Tyr).

NM_000440.3(PDE6A):c.1237G>T (p.Asp413Tyr)

Gene: PDE6A (phosphodiesterase 6A; minus strand). Cytogenetic location: 5q32.
Variant type: single nucleotide variant.
Coding change: c.1237G>T on transcript NM_000440.3 (MANE Select); coding-DNA position 1237, G replaced by T.
Protein change: p.Asp413Tyr; replaces aspartic acid 413 with tyrosine.
Molecular consequence: missense variant.
Genome position (GRCh38, 1-based): chr5:149,899,401, C>A on the plus strand (G>T on the coding strand, the complement: PDE6A is on the minus strand). VCF-style: chr5-149899401-C-A. GRCh37 (hg19) VCF-style: chr5-149278964-C-A.
Other names: c.994G>T, p.Asp332Tyr (NM_001410788.1); short protein forms D413Y, D332Y.
Identifiers: ClinVar variation 2118400 (VCV002118400.4), dbSNP rs2480578040, ClinGen allele CA361696746.